The following is an entry in ClinVar:

NM_177438.3(DICER1):c.920G>C (p.Arg307Pro)

Gene: DICER1 (dicer 1, ribonuclease III; minus strand). Cytogenetic location: 14q32.13.
Variant type: single nucleotide variant.
Coding change: c.920G>C on transcript NM_177438.3 (MANE Select); coding-DNA position 920, G replaced by C.
Protein change: p.Arg307Pro; replaces arginine 307 with proline.
Molecular consequence: missense variant. On other transcripts: 5 prime UTR variant (1), non-coding transcript variant (6).
Genome position (GRCh38, 1-based): chr14:95,124,652, C>G on the plus strand (G>C on the coding strand, the complement: DICER1 is on the minus strand). VCF-style: chr14-95124652-C-G. GRCh37 (hg19) VCF-style: chr14-95590989-C-G.
Other names: c.920G>C, p.Arg307Pro (NM_001195573.1, NM_001271282.3, NM_001291628.2 and 14 more transcripts); c.638G>C, p.Arg213Pro (NM_001395686.1); c.515G>C, p.Arg172Pro (NM_001395687.1, NM_001395688.1, NM_001395689.1 and 3 more transcripts); c.353G>C, p.Arg118Pro (NM_001395691.1); c.-649G>C (NM_001395697.1); short protein forms R118P, R172P, R213P, R307P.
Identifiers: ClinVar variation 3359613 (VCV003359613.1).

ClinVar aggregate classification (germline): Uncertain significance (1 of 4 stars; one submission).

Submission:

GeneDx
Classification: Uncertain significance. Last evaluated: 2023-06-08. Review status: criteria provided, single submitter. Criteria: GeneDx Variant Classification Process June 2021. Collection method: clinical testing. Allele origin: germline. Affected: yes.
Comment: Not observed at significant frequency in large population cohorts (gnomAD); In silico analysis supports that this missense variant does not alter protein structure/function; Has not been previously published as pathogenic or benign to our knowledge